The following is an entry in ClinVar:

NM_015311.3(OBSL1):c.2392G>A (p.Gly798Ser)

Gene: OBSL1 (obscurin like cytoskeletal adaptor 1; minus strand). Cytogenetic location: 2q35.
Variant type: single nucleotide variant.
Coding change: c.2392G>A on transcript NM_015311.3 (MANE Select); coding-DNA position 2392, G replaced by A.
Protein change: p.Gly798Ser; replaces glycine 798 with serine.
Molecular consequence: missense variant.
Genome position (GRCh38, 1-based): chr2:219,565,257, C>T on the plus strand (G>A on the coding strand, the complement: OBSL1 is on the minus strand). VCF-style: chr2-219565257-C-T. GRCh37 (hg19) VCF-style: chr2-220429979-C-T.
Other names: c.2392G>A, p.Gly798Ser (NM_001173408.2, NM_001173431.2); short protein forms G798S.
Identifiers: ClinVar variation 895913 (VCV000895913.9), dbSNP rs201462216, ClinGen allele CA2131257.

ClinVar aggregate classification (germline): Conflicting classifications of pathogenicity. Review status: criteria provided, conflicting classifications (1 of 4 stars). 3 submissions from 3 submitters: Uncertain significance (2); Likely benign (1). Last evaluated 2022-08-06.

Conditions:
Inborn genetic diseases. Identifiers: MedGen C0950123, MeSH D030342.
3M syndrome 2. Also called: 3-M Syndrome, OBSL1-Related; THREE M SYNDROME 2. Identifiers: Orphanet 2616, MedGen C2752041, MONDO:0013039, OMIM 612921.

Allele frequency attached by ClinVar (database versions not stated): TOPMed 0.00025; gnomAD exomes 0.00026 and 0.00030; ExAC 0.00038; ESP Exome Variant Server 0.00063.
gnomAD v4.1: 473 of 1,610,304 alleles (0.029%); highest among the groups gnomAD compares: Non-Finnish European, 0.036%; no homozygotes.

Submissions (3):

Labcorp Genetics (formerly Invitae), Labcorp
Classification: Uncertain significance. Last evaluated: 2022-08-06. Review status: criteria provided, single submitter. Criteria: Invitae Variant Classification Sherloc (09022015). Collection method: clinical testing. Allele origin: germline.
Comment: This sequence change replaces glycine, which is neutral and non-polar, with serine, which is neutral and polar, at codon 798 of the OBSL1 protein (p.Gly798Ser). This variant is present in population databases (rs201462216, gnomAD 0.04%). This variant has not been reported in the literature in individuals affected with OBSL1-related conditions. ClinVar contains an entry for this variant (Variation ID: 895913). Algorithms developed to predict the effect of missense changes on protein structure and function output the following: SIFT: "Tolerated"; PolyPhen-2: "Benign"; Align-GVGD: "Class C0". The serine amino acid residue is found in multiple mammalian species, which suggests that this missense change does not adversely affect protein function. Algorithms developed to predict the effect of sequence changes on RNA splicing suggest that this variant may create or strengthen a splice site. In summary, the available evidence is currently insufficient to determine the role of this variant in disease. Therefore, it has been classified as a Variant of Uncertain Significance.

Ambry Genetics
Classification: Likely benign for Inborn genetic diseases. Last evaluated: 2022-04-12. Review status: criteria provided, single submitter. Criteria: Ambry Variant Classification Scheme 2023. Collection method: clinical testing. Allele origin: germline.

Illumina Laboratory Services, Illumina
Classification: Uncertain significance for 3M syndrome 2. Last evaluated: 2018-01-13. Review status: criteria provided, single submitter. Criteria: ICSL Variant Classification Criteria 13 December 2019. Collection method: clinical testing. Allele origin: germline.